The following is an entry in ClinVar:

NM_004304.5(ALK):c.1174A>T (p.Arg392Ter)

Gene: ALK (ALK receptor tyrosine kinase; minus strand). Cytogenetic location: 2p23.2.
Variant type: single nucleotide variant.
Coding change: c.1174A>T on transcript NM_004304.5 (MANE Select); coding-DNA position 1174, A replaced by T.
Protein change: p.Arg392Ter; replaces arginine 392 with a stop codon.
Molecular consequence: nonsense.
Genome position (GRCh38, 1-based): chr2:29,383,840, T>A on the plus strand (A>T on the coding strand, the complement: ALK is on the minus strand). VCF-style: chr2-29383840-T-A. GRCh37 (hg19) VCF-style: chr2-29606706-T-A.
Other names: short protein forms R392*.
Identifiers: ClinVar variation 2005077 (VCV002005077.4), dbSNP rs761244779, ClinGen allele CA346585469.

ClinVar aggregate classification (germline): Uncertain significance (1 of 4 stars; one submission).

Conditions:
Neuroblastoma, susceptibility to, 3. Also called: ALK-Related Neuroblastic Tumor Susceptibility. Identifiers: Orphanet 635, MedGen C2751681, MONDO:0013083, OMIM 613014.

Submission:

Labcorp Genetics (formerly Invitae), Labcorp
Classification: Uncertain significance for Neuroblastoma, susceptibility to, 3. Last evaluated: 2022-06-12. Review status: criteria provided, single submitter. Criteria: Invitae Variant Classification Sherloc (09022015). Collection method: clinical testing. Allele origin: germline.
Comment: In summary, the available evidence is currently insufficient to determine the role of this variant in disease. Therefore, it has been classified as a Variant of Uncertain Significance. This variant has not been reported in the literature in individuals affected with ALK-related conditions. This variant is not present in population databases (gnomAD no frequency). This sequence change creates a premature translational stop signal (p.Arg392*) in the ALK gene. It is expected to result in an absent or disrupted protein product. However, the current clinical and genetic evidence is not sufficient to establish whether loss-of-function variants in ALK cause disease.